The following is an entry in ClinVar:

NM_001370658.1(BTD):c.1350dup (p.Cys451fs)

Gene: BTD (biotinidase; plus strand). Cytogenetic location: 3p25.1.
Variant type: Duplication.
Coding change: c.1350dup on transcript NM_001370658.1 (MANE Select); coding-DNA position 1350, one base duplicated (C; older notation c.1350dupC).
Protein change: p.Cys451fs; shifts the reading frame from cysteine 451.
Molecular consequence: frameshift variant. On other transcripts: intron variant (8).
Genome position (GRCh38, 1-based): chr3:15,645,266, C duplicated; the last of 2 consecutive C bases (chr3:15,645,265-15,645,266); duplicating either gives the same sequence. VCF-style (leftmost placement, unchanged base first): chr3-15645264-A-AC. GRCh37 (hg19) VCF-style: chr3-15686771-A-AC.
Other names: c.1350dup, p.Cys451fs (NM_001281723.4, NM_001281724.3, NM_001281725.3 and 16 more transcripts); c.1015+335dup (NM_001370752.1, NM_001407379.1); c.399+3209dup (NM_001370753.1, NM_001407400.1, NM_001407380.1 and 3 more transcripts); short protein forms C451fs.
Identifiers: ClinVar variation 280333 (VCV000280333.15), dbSNP rs886041559, ClinGen allele CA10602892.
Genomic context (GRCh38, chr3:15,645,264, plus strand): 5'-CATGGCACTTACTACATCCAAGTGTGTGCCCTGGTCAGGTGTGGGGGTCTTGGCTTCGAC[A>AC]CCTGTGGACAGGAAATCACAGAGGCCACGGGGATATTTGAGTTTCACCTGTGGGGCAACT-3'

ClinVar aggregate classification (germline): Pathogenic. Review status: criteria provided, multiple submitters, no conflicts (2 of 4 stars). 3 submissions from 3 submitters: Pathogenic (2). 1 of the submissions does not count toward it. Last evaluated 2022-08-15.

Conditions:
Biotinidase deficiency. Also called: BTD deficiency; Late-onset biotin-responsive multiple carboxylase deficiency; Biotin deficiency. Identifiers: Orphanet 79241, MedGen C0220754, MONDO:0009665, OMIM 253260.

Submissions (3):

Labcorp Genetics (formerly Invitae), Labcorp
Classification: Pathogenic for Biotinidase deficiency. Last evaluated: 2022-08-15. Review status: criteria provided, single submitter. Criteria: Invitae Variant Classification Sherloc (09022015). Collection method: clinical testing. Allele origin: germline.
Comment: This sequence change creates a premature translational stop signal (p.Cys471Leufs*13) in the BTD gene. While this is not anticipated to result in nonsense mediated decay, it is expected to disrupt the last 73 amino acid(s) of the BTD protein. This variant disrupts a region of the BTD protein in which other variant(s) (p.Leu498Phefs*13) have been determined to be pathogenic (PMID: 17382128, 19728141, 29359854). This suggests that this is a clinically significant region of the protein, and that variants that disrupt it are likely to be disease-causing. ClinVar contains an entry for this variant (Variation ID: 280333). This variant is not present in population databases (gnomAD no frequency). This premature translational stop signal has been observed in individual(s) with BTD-related conditions (PMID: 31618753). For these reasons, this variant has been classified as Pathogenic.

GeneDx
Classification: Pathogenic. Last evaluated: 2016-02-13. Review status: criteria provided, single submitter. Criteria: GeneDx Variant Classification (06012015). Collection method: clinical testing. Allele origin: germline. Affected: yes.
Comment: The c.1410dupC variant in the BTD gene has not been reported previously as a pathogenic variant nor as a benign variant, to our knowledge. The c.1410dupC variant causes a frameshift starting with codon Cysteine 471, changes this amino acid to a Leucine residue, and creates a premature Stop codon at position 13 of the new reading frame, denoted p.Cys471LeufsX13. This variant is predicted to cause loss of normal protein function through protein truncation. The c.1410dupC variant was not observed in approximately 6500 individuals of European and African American ancestry in the NHLBI Exome Sequencing Project, indicating it is not a common benign variant in these populations. We interpret c.1410dupC as a pathogenic variant.

Counsyl
Classification: Likely pathogenic for Biotinidase deficiency. Last evaluated: 2016-08-24. Review status: no assertion criteria provided. Collection method: clinical testing. Allele origin: unknown. Not counted in ClinVar's aggregate classification.

Literature cited by the submitters: PubMed 17382128 (cited by Labcorp Genetics (formerly Invitae), Labcorp); PubMed 19728141 (cited by Labcorp Genetics (formerly Invitae), Labcorp); PubMed 29359854 (cited by Labcorp Genetics (formerly Invitae), Labcorp); PubMed 31618753 (cited by Labcorp Genetics (formerly Invitae), Labcorp).